The following is an entry in ClinVar:

NM_001014987.2(LAT):c.340+5G>A

Gene: LAT (linker for activation of T cells; plus strand). Cytogenetic location: 16p11.2.
Variant type: single nucleotide variant.
Coding change: c.340+5G>A on transcript NM_001014987.2 (MANE Select); 5 bases into the intron after coding-DNA position 340, G replaced by A.
Molecular consequence: intron variant. On other transcripts: synonymous variant (1).
Genome position (GRCh38, 1-based): chr16:28,986,574, G>A. VCF-style: chr16-28986574-G-A. GRCh37 (hg19) VCF-style: chr16-28997895-G-A.
Other names: c.345G>A, p.Ala115= (NM_014387.4); c.448+5G>A (NM_001014989.2); c.337+5G>A (NM_001014988.2).
Identifiers: ClinVar variation 1061545 (VCV001061545.4), dbSNP rs774578428, ClinGen allele CA7989955.
Genomic context (GRCh38, chr16:28,986,574, plus strand): 5'-GTCTCCCTCTCACCCTCTCTTTGAAGCCAACAGTGTGGCGAGCTACGAGAACGAGGGTGC[G>A]TCTGGGATCCGAGGTGCCCAGGCTGGGTGGGGAGTCTGGGGTCCGTCCTGGACTAGGCTG-3'

ClinVar aggregate classification (germline): Uncertain significance (1 of 4 stars; one submission).

Allele frequency attached by ClinVar (database versions not stated): gnomAD 0.00002 and 0.00003; TOPMed 0.00003; ExAC 0.00005; gnomAD exomes 0.00007.
gnomAD v4.1: 51 of 1,613,188 alleles (0.0032%); highest among the groups gnomAD compares: Middle Eastern, 0.16%; no homozygotes.

Submission:

Labcorp Genetics (formerly Invitae), Labcorp
Classification: Uncertain significance. Last evaluated: 2022-10-17. Review status: criteria provided, single submitter. Criteria: Invitae Variant Classification Sherloc (09022015). Collection method: clinical testing. Allele origin: germline.
Comment: This sequence change falls in intron 6 of the LAT gene. It does not directly change the encoded amino acid sequence of the LAT protein. It affects a nucleotide within the consensus splice site. This variant is present in population databases (rs774578428, gnomAD 0.02%). This variant has not been reported in the literature in individuals affected with LAT-related conditions. ClinVar contains an entry for this variant (Variation ID: 1061545). Variants that disrupt the consensus splice site are a relatively common cause of aberrant splicing (PMID: 17576681, 9536098). Algorithms developed to predict the effect of sequence changes on RNA splicing suggest that this variant may disrupt the consensus splice site. In summary, the available evidence is currently insufficient to determine the role of this variant in disease. Therefore, it has been classified as a Variant of Uncertain Significance.

Literature cited by the submitters: PubMed 17576681; PubMed 9536098.